The following is an entry in ClinVar:

NM_032119.4(ADGRV1):c.5720_5721del (p.Asp1906_Ser1907insTer)

Gene: ADGRV1 (adhesion G protein-coupled receptor V1; plus strand). Cytogenetic location: 5q14.3.
Variant type: Microsatellite.
Coding change: c.5720_5721del on transcript NM_032119.4 (MANE Select); coding-DNA positions 5720 to 5721, 2 bases deleted (CT; older notation c.5720_5721delCT).
Protein change: p.Asp1906_Ser1907insTer.
Molecular consequence: nonsense. On other transcripts: non-coding transcript variant (1).
Genome position (GRCh38, 1-based): chr5:90,683,641-90,683,642, CT deleted; deleting any 2 consecutive bases within chr5:90,683,639-90,683,642 gives the same sequence; the c. name uses the placement nearest the transcript's 3' end. VCF-style (leftmost placement, unchanged base first): chr5-90683638-ACT-A. GRCh37 (hg19) VCF-style: chr5-89979455-ACT-A.
Identifiers: ClinVar variation 3061263 (VCV003061263.3), dbSNP rs1314104212, ClinGen allele CA815367181.
Genomic context (GRCh38, chr5:90,683,638, plus strand): 5'-TTTTGTAGGTTATAAGACATCATGGAACTCTGTCTCCAGTGACTTTGCATTGGAACATAG[ACT>A]CTGATCCTGATGGTGATCTCGCCTTCACCTCTGGCAACATCACATTTGAGATTGGGCAGA-3'

ClinVar aggregate classification (germline): Pathogenic. Review status: criteria provided, single submitter (1 of 4 stars). 2 submissions from 2 submitters: Pathogenic (1). 1 of the submissions does not count toward it. Last evaluated 2024-07-05.

Conditions:
ADGRV1-related disorder. Also called: ADGRV1-related condition; ADGRV1-related disorders.

Submissions (2):

Blueprint Genetics
Classification: Pathogenic for ADGRV1-related disorders. Last evaluated: 2024-07-05. Review status: criteria provided, single submitter. Criteria: ACMG Guidelines, 2015. Collection method: clinical testing. Allele origin: germline. Affected: yes. Observed: 3 variant alleles.

PreventionGenetics, part of Exact Sciences
Classification: Likely pathogenic for ADGRV1-related condition. Last evaluated: 2024-01-22. Review status: no assertion criteria provided. Collection method: clinical testing. Allele origin: germline. Not counted in ClinVar's aggregate classification.
Comment: The ADGRV1 c.5720_5721delCT variant is predicted to result in an in-frame deletion (p.Ser1907fs). To our knowledge, this variant has not been reported in the literature or in a large population database, indicating this variant is rare. Frameshift variants in this gene are expected to be pathogenic. This variant is interpreted as likely pathogenic.